The following is an entry in ClinVar:

ClinVar aggregate classification (germline): Uncertain significance (1 of 4 stars; one submission).

Submission:

GeneDx
Classification: Uncertain significance. Last evaluated: 2026-09-25. Review status: criteria provided, single submitter. Criteria: GeneDx Variant Classification Process June 2021. Collection method: clinical testing. Allele origin: germline.
Comment: Not observed at significant frequency in large population cohorts (gnomAD); In silico analysis supports that this missense variant has a deleterious effect on protein structure/function; Has not been previously published as pathogenic or benign to our knowledge

NM_001083619.3(GRIA2):c.2215T>A (p.Cys739Ser)

Gene: GRIA2 (glutamate ionotropic receptor AMPA type subunit 2; plus strand). Cytogenetic location: 4q32.1.
Variant type: single nucleotide variant.
Coding change: c.2215T>A on transcript NM_001083619.3 (MANE Select); coding-DNA position 2215, T replaced by A.
Protein change: p.Cys739Ser; replaces cysteine 739 with serine.
Molecular consequence: missense variant.
Genome position (GRCh38, 1-based): chr4:157,360,067, T>A. VCF-style: chr4-157360067-T-A. GRCh37 (hg19) VCF-style: chr4-158281219-T-A.
Other names: c.2215T>A, p.Cys739Ser (NM_000826.6); c.2074T>A, p.Cys692Ser (NM_001083620.3, NM_001379000.3, NM_001379001.3); short protein forms C739S, C692S.
Identifiers: ClinVar variation 3731217 (VCV003731217.2).